The following is an entry in ClinVar:

NM_001039591.3(USP9X):c.542A>T (p.His181Leu)

Gene: USP9X (ubiquitin specific peptidase 9 X-linked; plus strand). Cytogenetic location: Xp11.4.
Variant type: single nucleotide variant.
Coding change: c.542A>T on transcript NM_001039591.3 (MANE Select); coding-DNA position 542, A replaced by T.
Protein change: p.His181Leu; replaces histidine 181 with leucine.
Molecular consequence: missense variant.
Genome position (GRCh38, 1-based): chrX:41,136,910, A>T. VCF-style: chrX-41136910-A-T. GRCh37 (hg19) VCF-style: chrX-40996163-A-T.
Other names: c.542A>T, p.His181Leu (NM_001039590.3); short protein forms H181L.
Identifiers: ClinVar variation 452013 (VCV000452013.3), dbSNP rs1243517918, ClinGen allele CA412763194.

ClinVar aggregate classification (germline): Uncertain significance. Review status: criteria provided, multiple submitters, no conflicts (2 of 4 stars). 2 submissions from 2 submitters: Uncertain significance (2). Last evaluated 2025-10-16.

Allele frequency attached by ClinVar (database versions not stated): TOPMed below 0.00001.

Submissions (2):

Labcorp Genetics (formerly Invitae), Labcorp
Classification: Uncertain significance. Last evaluated: 2025-10-16. Review status: criteria provided, single submitter. Criteria: Invitae Variant Classification Sherloc (09022015). Collection method: clinical testing. Allele origin: germline.
Comment: This sequence change replaces histidine, which is basic and polar, with leucine, which is neutral and non-polar, at codon 181 of the USP9X protein (p.His181Leu). This variant is not present in population databases (gnomAD no frequency). This variant has not been reported in the literature in individuals affected with USP9X-related conditions. ClinVar contains an entry for this variant (Variation ID: 452013). An algorithm developed to predict the effect of missense changes on protein structure and function (PolyPhen-2) suggests that this variant is likely to be disruptive. In summary, the available evidence is currently insufficient to determine the role of this variant in disease. Therefore, it has been classified as a Variant of Uncertain Significance.

GeneDx
Classification: Uncertain significance. Last evaluated: 2017-09-15. Review status: criteria provided, single submitter. Criteria: GeneDx Variant Classification (06012015). Collection method: clinical testing. Allele origin: germline. Affected: yes.
Comment: A variant of uncertain significance has been identified in the USP9X gene. The H181L variant has not been published as a pathogenic variant, nor has it been reported as a benign variant to our knowledge. The H181L variant is not observed in large population cohorts (Lek et al., 2016; 1000 Genomes Consortium et al., 2015; Exome Variant Server. The H181L variant is a non-conservative amino acid substitution, which is likely to impact secondary protein structure as these residues differ in polarity, charge, size and/or other properties. This substitution occurs at a position that is conserved across species. In silico analysis predicts this variant is probably damaging to the protein structure/function. Based on the currently available information, it is unclear whether this variant is a pathogenic variant or a rare benign variant.